The following is an entry in ClinVar:

ClinVar aggregate classification (germline): Uncertain significance (1 of 4 stars; one submission).

Conditions:
L-2-hydroxyglutaric aciduria (L2HGA). Identifiers: Orphanet 79314, MedGen C1855995, MONDO:0009370, OMIM 236792, HP:0040144.

Submission:

Neuberg Centre For Genomic Medicine, NCGM
Classification: Uncertain significance for L-2-hydroxyglutaric aciduria. Review status: criteria provided, single submitter. Criteria: ACMG Guidelines, 2015. Collection method: clinical testing. Allele origin: germline. Inheritance: Autosomal recessive inheritance. Affected: yes.
Comment: The missense variant c.895A>G (p.Asn299Asp) in L2HGDH gene has not been reported previously as a pathogenic variant nor as a benign variant, to our knowledge. This variant is novel (not in any individuals) in gnomAD Exomes and 1000 Genomes. The amino acid Asparagine at position 299 is changed to a Aspartic acid changing protein sequence and it might alter its composition and physico-chemical properties. The variant is predicted to be damaging by both SIFT and PolyPhen2. The residue is conserved across species. For these reasons, this variant has been classified as Uncertain Significance.

NM_024884.3(L2HGDH):c.895A>G (p.Asn299Asp)

Gene: L2HGDH (L-2-hydroxyglutarate dehydrogenase; minus strand). Cytogenetic location: 14q21.3.
Variant type: single nucleotide variant.
Coding change: c.895A>G on transcript NM_024884.3 (MANE Select); coding-DNA position 895, A replaced by G.
Protein change: p.Asn299Asp; replaces asparagine 299 with aspartic acid.
Molecular consequence: missense variant.
Genome position (GRCh38, 1-based): chr14:50,269,174, T>C on the plus strand (A>G on the coding strand, the complement: L2HGDH is on the minus strand). VCF-style: chr14-50269174-T-C. GRCh37 (hg19) VCF-style: chr14-50735892-T-C.
Other names: short protein forms N299D.
Identifiers: ClinVar variation 2585307 (VCV002585307.1), dbSNP rs2503517783, ClinGen allele CA389650166.